The following is an entry in ClinVar:

ClinVar aggregate classification (germline): Uncertain significance (1 of 4 stars; one submission).

Conditions:
Camptomelic dysplasia (CMPD). Also called: CMPD1/SRA1; Campomelic Dysplasia. Identifiers: Orphanet 140, MedGen C1861922, MONDO:0007251, OMIM 114290.

Submission:

Labcorp Genetics (formerly Invitae), Labcorp
Classification: Uncertain significance for Camptomelic dysplasia. Last evaluated: 2023-10-14. Review status: criteria provided, single submitter. Criteria: Invitae Variant Classification Sherloc (09022015). Collection method: clinical testing. Allele origin: germline.
Comment: This sequence change replaces aspartic acid, which is acidic and polar, with glutamic acid, which is acidic and polar, at codon 125 of the SOX9 protein (p.Asp125Glu). This variant is not present in population databases (gnomAD no frequency). This variant has not been reported in the literature in individuals affected with SOX9-related conditions. Advanced modeling of protein sequence and biophysical properties (such as structural, functional, and spatial information, amino acid conservation, physicochemical variation, residue mobility, and thermodynamic stability) has been performed at Invitae for this missense variant, however the output from this modeling did not meet the statistical confidence thresholds required to predict the impact of this variant on SOX9 protein function. In summary, the available evidence is currently insufficient to determine the role of this variant in disease. Therefore, it has been classified as a Variant of Uncertain Significance.

NM_000346.4(SOX9):c.375C>G (p.Asp125Glu)

Genes: SOX9 (SRY-box transcription factor 9; plus strand), LOC108021846 (SOX9 promoter region; plus strand). Cytogenetic location: 17q24.3.
Variant type: single nucleotide variant.
Coding change: c.375C>G on transcript NM_000346.4 (MANE Select); coding-DNA position 375, C replaced by G.
Protein change: p.Asp125Glu; replaces aspartic acid 125 with glutamic acid.
Molecular consequence: missense variant.
Genome position (GRCh38, 1-based): chr17:72,121,766, C>G. VCF-style: chr17-72121766-C-G. GRCh37 (hg19) VCF-style: chr17-70117907-C-G.
Other names: short protein forms D125E.
Identifiers: ClinVar variation 2768491 (VCV002768491.3), dbSNP rs776717525, ClinGen allele CA400866131.